The following is an entry in ClinVar:

NM_001004334.4(GPR179):c.1474C>T (p.Arg492Trp)

Gene: GPR179 (G protein-coupled receptor 179; minus strand). Cytogenetic location: 17q12.
Variant type: single nucleotide variant.
Coding change: c.1474C>T on transcript NM_001004334.4 (MANE Select); coding-DNA position 1474, C replaced by T.
Protein change: p.Arg492Trp; replaces arginine 492 with tryptophan.
Molecular consequence: missense variant.
Genome position (GRCh38, 1-based): chr17:38,335,204, G>A on the plus strand (C>T on the coding strand, the complement: GPR179 is on the minus strand). VCF-style: chr17-38335204-G-A. GRCh37 (hg19) VCF-style: chr17-36491087-G-A.
Other names: short protein forms R492W.
Identifiers: ClinVar variation 1499675 (VCV001499675.6), dbSNP rs1051192998, ClinGen allele CA290108699.

ClinVar aggregate classification (germline): Uncertain significance (1 of 4 stars; one submission).

gnomAD v4.1: 13 of 1,556,842 alleles (0.00084%); highest among the groups gnomAD compares: African/African-American, 0.0014%; no homozygotes.

Submission:

Labcorp Genetics (formerly Invitae), Labcorp
Classification: Uncertain significance. Last evaluated: 2022-01-13. Review status: criteria provided, single submitter. Criteria: Invitae Variant Classification Sherloc (09022015). Collection method: clinical testing. Allele origin: germline.
Comment: In summary, the available evidence is currently insufficient to determine the role of this variant in disease. Therefore, it has been classified as a Variant of Uncertain Significance. Algorithms developed to predict the effect of missense changes on protein structure and function are either unavailable or do not agree on the potential impact of this missense change (SIFT: "Deleterious"; PolyPhen-2: "Benign"; Align-GVGD: "Class C0"). This variant has not been reported in the literature in individuals affected with GPR179-related conditions. This variant is present in population databases (no rsID available, gnomAD 0.001%). This sequence change replaces arginine, which is basic and polar, with tryptophan, which is neutral and slightly polar, at codon 492 of the GPR179 protein (p.Arg492Trp).